The following is an entry in ClinVar:

NM_001846.4(COL4A2):c.2546A>C (p.Gln849Pro)

Gene: COL4A2 (collagen type IV alpha 2 chain; plus strand). Cytogenetic location: 13q34.
Variant type: single nucleotide variant.
Coding change: c.2546A>C on transcript NM_001846.4 (MANE Select); coding-DNA position 2546, A replaced by C.
Protein change: p.Gln849Pro; replaces glutamine 849 with proline.
Molecular consequence: missense variant.
Genome position (GRCh38, 1-based): chr13:110,478,123, A>C. VCF-style: chr13-110478123-A-C. GRCh37 (hg19) VCF-style: chr13-111130470-A-C.
Other names: short protein forms Q849P.
Identifiers: ClinVar variation 451084 (VCV000451084.3), dbSNP rs761477697, ClinGen allele CA7049937.

ClinVar aggregate classification (germline): Uncertain significance. Review status: criteria provided, multiple submitters, no conflicts (2 of 4 stars). 2 submissions from 2 submitters: Uncertain significance (2). Last evaluated 2026-01-26.

Allele frequency attached by ClinVar (database versions not stated): gnomAD exomes below 0.00001 and 0.00001; ExAC 0.00001; gnomAD 0.00001; TOPMed 0.00002.
gnomAD v4.1: 8 of 1,598,006 alleles (0.0005%); highest among the groups gnomAD compares: East Asian, 0.0045%; no homozygotes.

Submissions (2):

Labcorp Genetics (formerly Invitae), Labcorp
Classification: Uncertain significance. Last evaluated: 2026-01-26. Review status: criteria provided, single submitter. Criteria: Invitae Variant Classification Sherloc (09022015). Collection method: clinical testing. Allele origin: germline.
Comment: This sequence change replaces glutamine, which is neutral and polar, with proline, which is neutral and non-polar, at codon 849 of the COL4A2 protein (p.Gln849Pro). This variant is present in population databases (rs761477697, gnomAD 0.01%). This variant has not been reported in the literature in individuals affected with COL4A2-related conditions. ClinVar contains an entry for this variant (Variation ID: 451084). Invitae Evidence Modeling of protein sequence and biophysical properties (such as structural, functional, and spatial information, amino acid conservation, physicochemical variation, residue mobility, and thermodynamic stability) indicates that this missense variant is not expected to disrupt COL4A2 protein function with a negative predictive value of 95%. In summary, the available evidence is currently insufficient to determine the role of this variant in disease. Therefore, it has been classified as a Variant of Uncertain Significance.

GeneDx
Classification: Uncertain significance. Last evaluated: 2017-08-10. Review status: criteria provided, single submitter. Criteria: GeneDx Variant Classification (06012015). Collection method: clinical testing. Allele origin: germline. Affected: yes.
Comment: The Q849P variant in the COL4A2 gene has not been reported previously as a pathogenic variant, nor as a benign variant, to our knowledge. The Q849P variant is not observed at a significant frequency in large population cohorts (Lek et al., 2016; 1000 Genomes Consortium et al., 2015; Exome Variant Server). The Q849P variant is a non-conservative amino acid substitution, which is likely to impact secondary protein structure as these residues differ in polarity, charge, size and/or other properties. This substitution occurs at a position that is not conserved. In silico analysis predicts this variant likely does not alter the protein structure/function. The Q849P variant is located within the triple helical region. We interpret Q849P as a variant of uncertain significance.